The following is an entry in ClinVar:

NM_021975.4(RELA):c.965C>G (p.Thr322Ser)

Gene: RELA (RELA proto-oncogene, NF-kB subunit; minus strand). Cytogenetic location: 11q13.1.
Variant type: single nucleotide variant.
Coding change: c.965C>G on transcript NM_021975.4 (MANE Select); coding-DNA position 965, C replaced by G.
Protein change: p.Thr322Ser; replaces threonine 322 with serine.
Molecular consequence: missense variant.
Genome position (GRCh38, 1-based): chr11:65,655,756, G>C on the plus strand (C>G on the coding strand, the complement: RELA is on the minus strand). VCF-style: chr11-65655756-G-C. GRCh37 (hg19) VCF-style: chr11-65423227-G-C.
Other names: c.956C>G, p.Thr319Ser (NM_001145138.2); c.965C>G, p.Thr322Ser (NM_001243984.2, NM_001243985.2); short protein forms T319S, T322S.
Identifiers: ClinVar variation 1509292 (VCV001509292.9), dbSNP rs375929528, ClinGen allele CA381389457.

ClinVar aggregate classification (germline): Uncertain significance. Review status: criteria provided, multiple submitters, no conflicts (2 of 4 stars). 2 submissions from 2 submitters: Uncertain significance (2). Last evaluated 2025-07-14.

gnomAD v4.1: 9 of 1,614,026 alleles (0.00056%); highest among the groups gnomAD compares: Middle Eastern, 0.049%; no homozygotes.

Submissions (2):

Labcorp Genetics (formerly Invitae), Labcorp
Classification: Uncertain significance. Last evaluated: 2025-07-14. Review status: criteria provided, single submitter. Criteria: Invitae Variant Classification Sherloc (09022015). Collection method: clinical testing. Allele origin: germline.
Comment: This sequence change replaces threonine, which is neutral and polar, with serine, which is neutral and polar, at codon 322 of the RELA protein (p.Thr322Ser). This variant is not present in population databases (gnomAD no frequency). This variant has not been reported in the literature in individuals affected with RELA-related conditions. ClinVar contains an entry for this variant (Variation ID: 1509292). An algorithm developed to predict the effect of missense changes on protein structure and function outputs the following: PolyPhen-2: "Benign". The serine amino acid residue is found in multiple mammalian species, which suggests that this missense change does not adversely affect protein function. In summary, the available evidence is currently insufficient to determine the role of this variant in disease. Therefore, it has been classified as a Variant of Uncertain Significance.

Breakthrough Genomics
Classification: Uncertain significance. Review status: criteria provided, single submitter. Criteria: ACMG Guidelines, 2015. Collection method: not provided. Allele origin: germline. Inheritance: Autosomal dominant inheritance. Affected: yes.